The following is an entry in ClinVar:

NM_002382.5(MAX):c.362G>A (p.Ser121Asn)

Gene: MAX (MYC associated transcriptional regulator X; minus strand). Cytogenetic location: 14q23.3.
Variant type: single nucleotide variant.
Coding change: c.362G>A on transcript NM_002382.5 (MANE Select); coding-DNA position 362, G replaced by A.
Protein change: p.Ser121Asn; replaces serine 121 with asparagine.
Molecular consequence: missense variant. On other transcripts: 3 prime UTR variant (12), non-coding transcript variant (7), intron variant (2).
Genome position (GRCh38, 1-based): chr14:65,076,597, C>T on the plus strand (G>A on the coding strand, the complement: MAX is on the minus strand). VCF-style: chr14-65076597-C-T. GRCh37 (hg19) VCF-style: chr14-65543315-C-T.
Other names: c.173G>A, p.Ser58Asn (NM_001320415.2, NM_001407105.1, NM_001407106.1 and 1 more transcripts); c.362G>A, p.Ser121Asn (NM_001407094.1); c.335G>A, p.Ser112Asn (NM_001407095.1, NM_145112.3); c.*135G>A (NM_001407096.1, NM_001407099.1, NM_001407102.1 and 2 more transcripts); c.*151G>A (NM_001407097.1, NM_001407100.1, NM_001407101.1 and 4 more transcripts); c.254G>A, p.Ser85Asn (NM_001407098.1); c.161G>A, p.Ser54Asn (NM_001407111.1, NM_001407112.1); c.144+17111G>A (NM_001271069.2); and 1 more; short protein forms S112N, S121N, S54N, S58N, S85N.
Identifiers: ClinVar variation 5023914 (VCV005023914.1).

ClinVar aggregate classification (germline): Uncertain significance (1 of 4 stars; one submission).

Conditions:
Hereditary cancer-predisposing syndrome. Also called: Neoplastic Syndromes, Hereditary; Tumor predisposition; Hereditary neoplastic syndrome; Hereditary Cancer Syndrome. Identifiers: Orphanet 140162, MedGen C0027672, MeSH D009386, MONDO:0015356.

gnomAD v4.1: 1 of 1,614,050 alleles (0.000062%); no homozygotes.

Submission:

Ambry Genetics
Classification: Uncertain significance for Hereditary cancer-predisposing syndrome. Last evaluated: 2026-06-24. Review status: criteria provided, single submitter. Criteria: Ambry Variant Classification Scheme 2023. Collection method: clinical testing. Allele origin: germline.
Comment: The p.S121N variant (also known as c.362G>A), located in coding exon 5 of the MAX gene, results from a G to A substitution at nucleotide position 362. The serine at codon 121 is replaced by asparagine, an amino acid with highly similar properties. This amino acid position is conserved. In addition, the in silico prediction for this alteration is inconclusive. Based on the available evidence, the clinical significance of this variant remains unclear.